The following is an entry in ClinVar:

ClinVar aggregate classification (germline): Uncertain significance. Review status: criteria provided, multiple submitters, no conflicts (2 of 4 stars). 3 submissions from 3 submitters: Uncertain significance (3). Last evaluated 2025-10-16.

Conditions:
Gorlin syndrome. Also called: Nevoid Basal Cell Carcinoma Syndrome; Basal cell nevus syndrome. Identifiers: Orphanet 377, MedGen C0004779, MONDO:0007187.

Allele frequency attached by ClinVar (database versions not stated): ESP Exome Variant Server 0.00015; TOPMed 0.00020; gnomAD 0.00021 and 0.00023; gnomAD exomes 0.00021 and 0.00028; ExAC 0.00028.
gnomAD v4.1: 436 of 1,614,012 alleles (0.027%); highest among the groups gnomAD compares: Non-Finnish European, 0.035%; no homozygotes.

Submissions (3):

Labcorp Genetics (formerly Invitae), Labcorp
Classification: Uncertain significance for Gorlin syndrome. Last evaluated: 2025-10-16. Review status: criteria provided, single submitter. Criteria: Invitae Variant Classification Sherloc (09022015). Collection method: clinical testing. Allele origin: germline.
Comment: This sequence change replaces valine, which is neutral and non-polar, with methionine, which is neutral and non-polar, at codon 1019 of the PTCH2 protein (p.Val1019Met). This variant is present in population databases (rs11573591, gnomAD 0.04%), and has an allele count higher than expected for a pathogenic variant. This variant has not been reported in the literature in individuals affected with PTCH2-related conditions. ClinVar contains an entry for this variant (Variation ID: 431868). Invitae Evidence Modeling of protein sequence and biophysical properties (such as structural, functional, and spatial information, amino acid conservation, physicochemical variation, residue mobility, and thermodynamic stability) indicates that this missense variant is not expected to disrupt PTCH2 protein function with a negative predictive value of 80%. In summary, the available evidence is currently insufficient to determine the role of this variant in disease. Therefore, it has been classified as a Variant of Uncertain Significance.

St. Jude Molecular Pathology, St. Jude Children's Research Hospital
Classification: Uncertain significance for Basal cell nevus syndrome 1. Last evaluated: 2022-04-20. Review status: criteria provided, single submitter. Criteria: St. Jude Assertion Criteria 2020. Collection method: clinical testing. Allele origin: germline.
Comment: The PTCH2 c.3055G>A (p.Val1019Met) missense change has a maximum subpopulation frequency of 0.04% in gnomAD v2.1.1. This is higher than expected for a pathogenic variant causing Gorlin syndrome (BS1). To our knowledge, this variant has not been reported in individuals with Gorlin syndrome. In summary, this variant meets criteria to be classified as of uncertain significance based on the ACMG/AMP criteria: BS1.

GeneDx
Classification: Uncertain significance. Last evaluated: 2018-08-24. Review status: criteria provided, single submitter. Criteria: GeneDx Variant Classification (06012015). Collection method: clinical testing. Allele origin: germline. Affected: yes.
Comment: The V1019M variant in the PTCH2 gene has not been reported previously as a pathogenic variant nor as a benign variant, to our knowledge. The V1019M variant was not observed at any significant frequency in approximately 6,500 individuals of European and African American ancestry in the NHLBI Exome Sequencing Project, indicating it is not a common benign variant in these populations. The V1019M variant is a conservative amino acid substitution, which occurs at a position that is conserved across species. In silico analysis is inconsistent in its predictions as to whether or not the variant is damaging to the protein structure/function. We interpret V1019M as a variant of uncertain significance.

NM_003738.5(PTCH2):c.3055G>A (p.Val1019Met)

Gene: PTCH2 (patched 2; minus strand). Cytogenetic location: 1p34.1.
Variant type: single nucleotide variant.
Coding change: c.3055G>A on transcript NM_003738.5 (MANE Select); coding-DNA position 3055, G replaced by A.
Protein change: p.Val1019Met; replaces valine 1019 with methionine.
Molecular consequence: missense variant.
Genome position (GRCh38, 1-based): chr1:44,826,309, C>T on the plus strand (G>A on the coding strand, the complement: PTCH2 is on the minus strand). VCF-style: chr1-44826309-C-T. GRCh37 (hg19) VCF-style: chr1-45291981-C-T.
Other names: c.3055G>A, p.Val1019Met (NM_001166292.2); short protein forms V1019M.
Identifiers: ClinVar variation 431868 (VCV000431868.14), dbSNP rs11573591, ClinGen allele CA822819.